The following is an entry in ClinVar:

ClinVar aggregate classification (germline): Uncertain significance (1 of 4 stars; one submission).

Conditions:
Psoriasis 2. Identifiers: MedGen C1864497, MONDO:0011269, OMIM 602723.
Pityriasis rubra pilaris (PRP). Also called: Pityriasis rubra pilaris--familial type. Identifiers: Orphanet 2897, MedGen C0032027, MONDO:0100017, OMIM 173200, MONDO:0008251.

Submission:

Labcorp Genetics (formerly Invitae), Labcorp
Classification: Uncertain significance for Pityriasis rubra pilaris; Psoriasis 2. Last evaluated: 2023-05-23. Review status: criteria provided, single submitter. Criteria: Invitae Variant Classification Sherloc (09022015). Collection method: clinical testing. Allele origin: germline.
Comment: This sequence change replaces proline, which is neutral and non-polar, with arginine, which is basic and polar, at codon 411 of the CARD14 protein (p.Pro411Arg). This variant is not present in population databases (gnomAD no frequency). This variant has not been reported in the literature in individuals affected with CARD14-related conditions. Advanced modeling of protein sequence and biophysical properties (such as structural, functional, and spatial information, amino acid conservation, physicochemical variation, residue mobility, and thermodynamic stability) performed at Invitae indicates that this missense variant is not expected to disrupt CARD14 protein function. In summary, the available evidence is currently insufficient to determine the role of this variant in disease. Therefore, it has been classified as a Variant of Uncertain Significance.

NM_001366385.1(CARD14):c.1232C>G (p.Pro411Arg)

Gene: CARD14 (caspase recruitment domain family member 14; plus strand). Cytogenetic location: 17q25.3.
Variant type: single nucleotide variant.
Coding change: c.1232C>G on transcript NM_001366385.1 (MANE Select); coding-DNA position 1232, C replaced by G.
Protein change: p.Pro411Arg; replaces proline 411 with arginine.
Molecular consequence: missense variant. On other transcripts: non-coding transcript variant (1).
Genome position (GRCh38, 1-based): chr17:80,191,465, C>G. VCF-style: chr17-80191465-C-G. GRCh37 (hg19) VCF-style: chr17-78165264-C-G.
Other names: c.1232C>G, p.Pro411Arg (NM_001257970.1, NM_024110.4); c.521C>G, p.Pro174Arg (NM_052819.3); short protein forms P174R, P411R.
Identifiers: ClinVar variation 2944208 (VCV002944208.3), dbSNP rs564433759, ClinGen allele CA401346602.